The following is an entry in ClinVar:

NM_000088.4(COL1A1):c.589G>C (p.Gly197Arg)

Gene: COL1A1 (collagen type I alpha 1 chain; minus strand). Cytogenetic location: 17q21.33.
Variant type: single nucleotide variant.
Coding change: c.589G>C on transcript NM_000088.4 (MANE Select); coding-DNA position 589, G replaced by C.
Protein change: p.Gly197Arg; replaces glycine 197 with arginine.
Molecular consequence: missense variant.
Genome position (GRCh38, 1-based): chr17:50,198,002, C>G on the plus strand (G>C on the coding strand, the complement: COL1A1 is on the minus strand). VCF-style: chr17-50198002-C-G. GRCh37 (hg19) VCF-style: chr17-48275363-C-G.
Other names: short protein forms G197R.
Identifiers: ClinVar variation 4057236 (VCV004057236.2).

ClinVar aggregate classification (germline): Pathogenic/Likely pathogenic. Review status: criteria provided, multiple submitters, no conflicts (2 of 4 stars). 2 submissions from 2 submitters: Pathogenic (1); Likely pathogenic (1). Last evaluated 2025-05-23.

Conditions:
COL1A1-related disorder. Also called: COL1A1- related disease; COL1A1-related condition.
Osteogenesis imperfecta with normal sclerae, dominant form (OI4). Also called: OSTEOGENESIS IMPERFECTA, TYPE IV, WITH DENTINOGENESIS IMPERFECTA; OSTEOGENESIS IMPERFECTA WITH NORMAL SCLERAE; Osteogenesis imperfecta type 4; Osteogenesis Imperfecta Type IV; Common Variable Osteogenesis Imperfecta with Normal Sclerae. Identifiers: Orphanet 216820, Orphanet 666, MedGen C0268363, MONDO:0008148, OMIM 166220.

Submissions (2):

Clinical Biomedical Laboratory, Shriners Hospital For Children - Canada
Classification: Pathogenic for Osteogenesis imperfecta with normal sclerae, dominant form. Last evaluated: 2025-05-23. Review status: criteria provided, single submitter. Criteria: ACMG Guidelines, 2015. Collection method: clinical testing. Allele origin: germline. Affected: yes.
Comment: This variant is predicted to substitute a glycine residue by an arginine residue in the alpha 1 chain of collagen type I. This variant is not reported in ClinVar and is absent from the Genome Aggregation Database (v.2.1.1), indicating it is rare. A variant affecting the same amino acid (c.589G>T; p.Gly197Cys) has been reported in Clinvar (Variation ID: 425635) as pathogenic by two submitters. Glycine substitutions in the triple helical domain of collagen type I cause disruption in the formation of the triple helix in the collagen molecule and are a typical cause of osteogenesis imperfecta. Glycine substitutions in the collagen type I triple helical domain that are close to the N-propeptide cleavage site are known to in addition cause features of Ehlers-Danlos syndrome (PMID 15728585).

Blueprint Genetics
Classification: Likely pathogenic for COL1A1-related disorders. Last evaluated: 2020-09-30. Review status: criteria provided, single submitter. Criteria: ACMG Guidelines, 2015. Collection method: clinical testing. Allele origin: germline. Affected: yes. Observed: 2 variant alleles.

Literature cited by the submitters: PubMed 15728585 (cited by Clinical Biomedical Laboratory, Shriners Hospital For Children - Canada).